The following is an entry in ClinVar:

ClinVar aggregate classification (germline): Uncertain significance (0 of 4 stars; one submission).

Conditions:
LRP4-related disorder. Also called: LRP4-related condition.

Submission:

PreventionGenetics, part of Exact Sciences
Classification: Uncertain significance for LRP4-related condition. Last evaluated: 2024-06-20. Review status: no assertion criteria provided. Collection method: clinical testing. Allele origin: germline.
Comment: The LRP4 c.1171C>A variant is predicted to result in the amino acid substitution p.His391Asn. To our knowledge, this variant has not been reported in the literature or in a large population database, indicating this variant is rare. At this time, the clinical significance of this variant is uncertain due to the absence of conclusive functional and genetic evidence.

NM_002334.4(LRP4):c.1171C>A (p.His391Asn)

Gene: LRP4 (LDL receptor related protein 4; minus strand). Cytogenetic location: 11p11.2.
Variant type: single nucleotide variant.
Coding change: c.1171C>A on transcript NM_002334.4 (MANE Select); coding-DNA position 1171, C replaced by A.
Protein change: p.His391Asn; replaces histidine 391 with asparagine.
Molecular consequence: missense variant.
Genome position (GRCh38, 1-based): chr11:46,895,896, G>T on the plus strand (C>A on the coding strand, the complement: LRP4 is on the minus strand). VCF-style: chr11-46895896-G-T. GRCh37 (hg19) VCF-style: chr11-46917447-G-T.
Other names: short protein forms H391N.
Identifiers: ClinVar variation 3345553 (VCV003345553.1).
Genomic context (GRCh38, chr11:46,895,896, plus strand): 5'-GCCCCTGCTCAGAACCCCGACTCTGCTGCAAACCAGGCCCCAGCTCACCTTGGCACGTGT[G>T]CCCATCCTCTGTGAGCCGGTAGCCTGTGTGGCAGGTACACTGCACTGCCCCCCGCACCAT-3'
Protein context (NP_002325.2, residues 381-401): HTGYRLTEDG[His391Asn]TCQDVNECAE